The following is an entry in ClinVar:

ClinVar aggregate classification (germline): Uncertain significance. Review status: reviewed by expert panel (3 of 4 stars). 4 submissions from 4 submitters: Uncertain significance (1). 3 of the submissions do not count toward it. Last evaluated 2026-06-23.

Conditions:
DICER1-related tumor predisposition. Also called: DICER1 syndrome; DICER1-related pleuropulmonary blastoma cancer predisposition syndrome. Identifiers: Orphanet 284343, MedGen C3839822, MONDO:0100216.
Hereditary cancer-predisposing syndrome. Also called: Hereditary Cancer Syndrome; Hereditary neoplastic syndrome; Neoplastic Syndromes, Hereditary; Tumor predisposition. Identifiers: Orphanet 140162, MedGen C0027672, MeSH D009386, MONDO:0015356.

Submissions (4):

ClinGen DICER1 and miRNA-Processing Gene Variant Curation Expert Panel, ClinGen
Classification: Uncertain significance for DICER1-related tumor predisposition. Last evaluated: 2026-06-23. Review status: reviewed by expert panel. Criteria: ClinGen DICER1 ACMG Specifications DICER1 V1.4.0. Collection method: curation. Allele origin: germline. Inheritance: Autosomal dominant inheritance.
Comment: The NM_177438.3:c.1020G>T is a synonymous variant (p.Leu340=) that is predicted to impact splicing. The splice site predictor SpliceAI indicates that the variant impacts splicing, evidence that correlates with impact to DICER1 function (PP3). Although this variant has been observed in individuals undergoing genetic sequencing, to our knowledge, this variant has not been reported in individuals with DICER1-related tumor predisposition (PS4 not met; Internal lab contributors). This variant is absent from gnomAD v4.1.0 (PM2_Supporting). In summary, this variant meets the criteria to be classified as Uncertain Significance for DICER1 syndrome based on the ACMG/AMP criteria applied, as specified by the ClinGen DICER1 and miRNA-Processing Gene VCEP: PM2_Supporting, PP3 (Bayesian Points: 2, VCEP specifications version 1.4.0; 06/23/2026).

Myriad Genetics, Inc.
Classification: Benign for DICER1-related tumor predisposition. Last evaluated: 2026-04-15. Review status: criteria provided, single submitter. Criteria: Myriad Autosomal Dominant, Autosomal Recessive and X-Linked Classification Criteria (2023). Collection method: clinical testing. Allele origin: unknown. Not counted in ClinVar's aggregate classification.
Comment: This variant is considered benign. This variant is a silent/synonymous amino acid change and it is not expected to impact splicing.

Labcorp Genetics (formerly Invitae), Labcorp
Classification: Uncertain significance for DICER1-related tumor predisposition. Last evaluated: 2022-08-18. Review status: criteria provided, single submitter. Criteria: Invitae Variant Classification Sherloc (09022015). Collection method: clinical testing. Allele origin: germline. Not counted in ClinVar's aggregate classification.
Comment: In summary, the available evidence is currently insufficient to determine the role of this variant in disease. Therefore, it has been classified as a Variant of Uncertain Significance. Algorithms developed to predict the effect of sequence changes on RNA splicing suggest that this variant may create or strengthen a splice site. This variant has not been reported in the literature in individuals affected with DICER1-related conditions. This variant is not present in population databases (gnomAD no frequency). This sequence change affects codon 340 of the DICER1 mRNA. It is a 'silent' change, meaning that it does not change the encoded amino acid sequence of the DICER1 protein.

Ambry Genetics
Classification: Likely benign for Hereditary cancer-predisposing syndrome. Last evaluated: 2021-10-05. Review status: criteria provided, single submitter. Criteria: Ambry General Variant Classification Scheme_2022. Collection method: clinical testing. Allele origin: germline. Observed: 1 variant allele. Not counted in ClinVar's aggregate classification.

NM_177438.3(DICER1):c.1020G>T (p.Leu340=)

Gene: DICER1 (dicer 1, ribonuclease III; minus strand). Cytogenetic location: 14q32.13.
Variant type: single nucleotide variant.
Coding change: c.1020G>T on transcript NM_177438.3 (MANE Select); coding-DNA position 1020, G replaced by T.
Protein change: p.Leu340=; no amino-acid change (leucine 340 retained).
Molecular consequence: synonymous variant. On other transcripts: 5 prime UTR variant (1), non-coding transcript variant (6).
Genome position (GRCh38, 1-based): chr14:95,124,552, C>A on the plus strand (G>T on the coding strand, the complement: DICER1 is on the minus strand). VCF-style: chr14-95124552-C-A. GRCh37 (hg19) VCF-style: chr14-95590889-C-A.
Other names: NM_177438.3(DICER1):c.1020G>T; p.Leu340=; c.1020G>T, p.Leu340= (NM_001195573.1, NM_001271282.3, NM_001291628.2 and 15 more transcripts); c.738G>T, p.Leu246= (NM_001395686.1); c.615G>T, p.Leu205= (NM_001395687.1, NM_001395688.1, NM_001395689.1 and 3 more transcripts); c.453G>T, p.Leu151= (NM_001395691.1); c.-549G>T (NM_001395697.1).
Identifiers: ClinVar variation 1759366 (VCV001759366.9), dbSNP rs2140206703, ClinGen allele CA487845865.